The following is an entry in ClinVar:

NM_012470.4(TNPO3):c.2581A>G (p.Met861Val)

Gene: TNPO3 (transportin 3; minus strand). Cytogenetic location: 7q32.1.
Variant type: single nucleotide variant.
Coding change: c.2581A>G on transcript NM_012470.4 (MANE Select); coding-DNA position 2581, A replaced by G.
Protein change: p.Met861Val; replaces methionine 861 with valine.
Molecular consequence: missense variant. On other transcripts: non-coding transcript variant (18).
Genome position (GRCh38, 1-based): chr7:128,970,165, T>C on the plus strand (A>G on the coding strand, the complement: TNPO3 is on the minus strand). VCF-style: chr7-128970165-T-C. GRCh37 (hg19) VCF-style: chr7-128610219-T-C.
Other names: c.2581A>G (NM_012470.3); c.2389A>G, p.Met797Val (NM_001191028.3, NM_001382223.1); c.2683A>G, p.Met895Val (NM_001382216.1); c.2662A>G, p.Met888Val (NM_001382217.1); c.2581A>G, p.Met861Val (NM_001382218.1); c.2473A>G, p.Met825Val (NM_001382219.1); c.2440A>G, p.Met814Val (NM_001382220.1); c.2437A>G, p.Met813Val (NM_001382221.1); and 1 more; short protein forms M888V, M813V, M895V, M812V, M814V, M861V, M797V, M825V.
Identifiers: ClinVar variation 3730347 (VCV003730347.3).
Genomic context (GRCh38, chr7:128,970,165, plus strand): 5'-ATTTAGGGACTATGAGATAAATTCCTCATGAAAACAATCTTACCGGTCTGTCAACCTGCA[T>C]GATCTCCCAGAGCACTTCAGCCACATCTGGTAGGGTATAGGGGGGGAGGCAAAAGCAGCA-3'
Protein context (NP_036602.1, residues 851-871): PDVAEVLWEI[Met861Val]QVDRPTFCRW

ClinVar aggregate classification (germline): Uncertain significance. Review status: criteria provided, multiple submitters, no conflicts (2 of 4 stars). 2 submissions from 2 submitters: Uncertain significance (2). Last evaluated 2025-04-02.

Conditions:
Autosomal dominant limb-girdle muscular dystrophy type 1F (LGMDD2). Also called: Limb-girdle muscular dystrophy, type 1F; MUSCULAR DYSTROPHY, LIMB-GIRDLE, AUTOSOMAL DOMINANT 2. Identifiers: Orphanet 55595, MedGen C1842062, MONDO:0012034, OMIM 608423.
Inborn genetic diseases. Identifiers: MedGen C0950123, MeSH D030342.

Submissions (2):

Ambry Genetics
Classification: Uncertain significance for Inborn genetic diseases. Last evaluated: 2025-04-02. Review status: criteria provided, single submitter. Criteria: Ambry Variant Classification Scheme 2023. Collection method: clinical testing. Allele origin: germline.

Labcorp Genetics (formerly Invitae), Labcorp
Classification: Uncertain significance for Autosomal dominant limb-girdle muscular dystrophy type 1F. Last evaluated: 2024-05-29. Review status: criteria provided, single submitter. Criteria: Invitae Variant Classification Sherloc (09022015). Collection method: clinical testing. Allele origin: germline.
Comment: This sequence change replaces methionine, which is neutral and non-polar, with valine, which is neutral and non-polar, at codon 861 of the TNPO3 protein (p.Met861Val). This variant is not present in population databases (gnomAD no frequency). This variant has not been reported in the literature in individuals affected with TNPO3-related conditions. Advanced modeling of protein sequence and biophysical properties (such as structural, functional, and spatial information, amino acid conservation, physicochemical variation, residue mobility, and thermodynamic stability) performed at Invitae indicates that this missense variant is not expected to disrupt TNPO3 protein function with a negative predictive value of 80%. In summary, the available evidence is currently insufficient to determine the role of this variant in disease. Therefore, it has been classified as a Variant of Uncertain Significance.